The following is an entry in ClinVar:

ClinVar aggregate classification (germline): Uncertain significance (1 of 4 stars; one submission).

Submission:

Labcorp Genetics (formerly Invitae), Labcorp
Classification: Uncertain significance. Last evaluated: 2024-08-03. Review status: criteria provided, single submitter. Criteria: Invitae Variant Classification Sherloc (09022015). Collection method: clinical testing. Allele origin: germline.
Comment: This variant, c.899_901del, results in the deletion of 1 amino acid(s) of the REST protein (p.Gly300del), but otherwise preserves the integrity of the reading frame. This variant is not present in population databases (gnomAD no frequency). This variant has not been reported in the literature in individuals affected with REST-related conditions. Algorithms developed to predict the effect of sequence changes on RNA splicing suggest that this variant may disrupt the consensus splice site. In summary, the available evidence is currently insufficient to determine the role of this variant in disease. Therefore, it has been classified as a Variant of Uncertain Significance.

NC_000004.12:g.56919787_56919789del

Gene: REST (RE1 silencing transcription factor; plus strand). Cytogenetic location: 4q12.
Variant type: Deletion.
Genome position: GRCh38 VCF-style: chr4-56919784-CAGG-C. GRCh37 (hg19) VCF-style: chr4-57785950-CAGG-C.
Identifiers: ClinVar variation 3682921 (VCV003682921.2).